The following is an entry in ClinVar:

NM_000169.3(GLA):c.850A>G (p.Met284Val)

Genes: GLA (galactosidase alpha; minus strand), RPL36A-HNRNPH2 (RPL36A-HNRNPH2 readthrough; plus strand). Cytogenetic location: Xq22.1.
Variant type: single nucleotide variant.
Coding change: c.850A>G on transcript NM_000169.3 (MANE Select); coding-DNA position 850, A replaced by G.
Protein change: p.Met284Val; replaces methionine 284 with valine.
Molecular consequence: missense variant. On other transcripts: non-coding transcript variant (3), intron variant (2).
Genome position (GRCh38, 1-based): chrX:101,398,519, T>C on the plus strand (A>G on the coding strand, the complement: GLA is on the minus strand). VCF-style: chrX-101398519-T-C. GRCh37 (hg19) VCF-style: chrX-100653507-T-C.
Other names: c.973A>G, p.Met325Val (NM_001406747.1); c.850A>G, p.Met284Val (NM_001406748.1); c.300+3062T>C (NM_001199973.2); c.177+6697T>C (NM_001199974.2); short protein forms M284V, M325V.
Identifiers: ClinVar variation 4087550 (VCV004087550.2).

ClinVar aggregate classification (germline): Likely pathogenic (1 of 4 stars; one submission).

Conditions:
Fabry disease. Also called: ALPHA-GALACTOSIDASE A DEFICIENCY; ANDERSON-FABRY DISEASE; CERAMIDE TRIHEXOSIDASE DEFICIENCY; GLA DEFICIENCY; HEREDITARY DYSTOPIC LIPIDOSIS; Angiokeratoma corporis diffusum. Identifiers: Orphanet 324, MedGen C0002986, MONDO:0010526, OMIM 301500, HP:0001071. Disease mechanism: Fabry disease is due to inactivating mutations in the X-linked GLA gene resulting in deficiency of the enzyme Alpha Galactosidase-A., loss of function.

Submission:

Genomenon, Inc
Classification: Likely pathogenic for Fabry disease. Last evaluated: 2026-09-08. Review status: criteria provided, single submitter. Criteria: Genomenon Sequence Variant Interpretation Standards - Updated. Collection method: curation. Allele origin: germline. Affected: yes.
Comment: GLA p.Met284Val (c.850A>G) is a missense variant that changes the amino acid at codon 284 from Methionine to Valine. This variant has been observed in at least one proband with clinical features consistent with Fabry disease (PMID:30268036;30085001). The variant was found to segregate with disease in at least one affected family (PMID:30268036). Functional or patient cell studies have been reported (PMID:32023956;30085001;27657681). It is absent or not present at a significant frequency in gnomAD. In silico models predict that this variant is possibly or probably damaging. In conclusion, we classify GLA p.Met284Val (c.850A>G) as a likely pathogenic variant.

Literature cited by the submitters: PubMed 30268036; PubMed 30085001; PubMed 32023956; PubMed 27657681.